The following is an entry in ClinVar:

NM_030777.4(SLC2A10):c.1593G>A (p.Pro531=)

Gene: SLC2A10 (solute carrier family 2 member 10; plus strand). Cytogenetic location: 20q13.12.
Variant type: single nucleotide variant.
Coding change: c.1593G>A on transcript NM_030777.4 (MANE Select); coding-DNA position 1593, G replaced by A.
Protein change: p.Pro531=; no amino-acid change (proline 531 retained).
Molecular consequence: synonymous variant.
Genome position (GRCh38, 1-based): chr20:46,733,801, G>A. VCF-style: chr20-46733801-G-A. GRCh37 (hg19) VCF-style: chr20-45362440-G-A.
Other names: p.P531P:CCG>CCA.
Identifiers: ClinVar variation 213725 (VCV000213725.14), dbSNP rs148424607, ClinGen allele CA325004.

ClinVar aggregate classification (germline): Benign/Likely benign. Review status: criteria provided, multiple submitters, no conflicts (2 of 4 stars). 4 submissions from 4 submitters: Benign (1); Likely benign (3). Last evaluated 2025-09-13.

Conditions:
Familial thoracic aortic aneurysm and aortic dissection (TAAD). Also called: Thoracic aortic aneurysms and dissections. Identifiers: Orphanet 91387, MedGen C4707243, MONDO:0019625.
Arterial tortuosity syndrome (ATORS). Identifiers: Orphanet 3342, MedGen C1859726, MONDO:0008818, OMIM 208050.

Allele frequency attached by ClinVar (database versions not stated): ExAC 0.00008; ESP Exome Variant Server 0.00015; gnomAD 0.00017 and 0.00019; TOPMed 0.00020.

Submissions (4):

Labcorp Genetics (formerly Invitae), Labcorp
Classification: Likely benign for Arterial tortuosity syndrome. Last evaluated: 2025-09-13. Review status: criteria provided, single submitter. Criteria: Invitae Variant Classification Sherloc (09022015). Collection method: clinical testing. Allele origin: germline.

Blueprint Genetics
Classification: Likely benign. Last evaluated: 2024-10-31. Review status: criteria provided, single submitter. Criteria: ACMG Guidelines, 2015. Collection method: clinical testing. Allele origin: germline.

Ambry Genetics
Classification: Likely benign for Familial thoracic aortic aneurysm and aortic dissection. Last evaluated: 2022-03-03. Review status: criteria provided, single submitter. Criteria: Ambry Variant Classification Scheme 2023. Collection method: clinical testing. Allele origin: germline.

GeneDx
Classification: Benign. Last evaluated: 2014-10-10. Review status: criteria provided, single submitter. Criteria: GeneDx Variant Classification (06012015). Collection method: clinical testing. Allele origin: germline. Affected: yes.
Comment: This variant is considered likely benign or benign based on one or more of the following criteria: it is a conservative change, it occurs at a poorly conserved position in the protein, it is predicted to be benign by multiple in silico algorithms, and/or has population frequency not consistent with disease.